The following is an entry in ClinVar:

NM_004715.5(CTDP1):c.2420C>A (p.Ala807Glu)

Gene: CTDP1 (CTD phosphatase subunit 1; plus strand). Cytogenetic location: 18q23.
Variant type: single nucleotide variant.
Coding change: c.2420C>A on transcript NM_004715.5 (MANE Select); coding-DNA position 2420, C replaced by A.
Protein change: p.Ala807Glu; replaces alanine 807 with glutamic acid.
Molecular consequence: missense variant. On other transcripts: intron variant (1).
Genome position (GRCh38, 1-based): chr18:79,728,909, C>A. VCF-style: chr18-79728909-C-A. GRCh37 (hg19) VCF-style: chr18-77488909-C-A.
Other names: c.2063C>A, p.Ala688Glu (NM_001202504.1); c.2420C>A, p.Ala807Glu (NM_001318511.2); c.2418-7446C>A (NM_048368.4); short protein forms A688E, A807E.
Identifiers: ClinVar variation 1359261 (VCV001359261.4), dbSNP rs777446741, ClinGen allele CA9010604.

ClinVar aggregate classification (germline): Uncertain significance (1 of 4 stars; one submission).

Submission:

Labcorp Genetics (formerly Invitae), Labcorp
Classification: Uncertain significance. Last evaluated: 2024-01-08. Review status: criteria provided, single submitter. Criteria: Invitae Variant Classification Sherloc (09022015). Collection method: clinical testing. Allele origin: germline.
Comment: This sequence change replaces alanine, which is neutral and non-polar, with glutamic acid, which is acidic and polar, at codon 807 of the CTDP1 protein (p.Ala807Glu). This variant is present in population databases (rs777446741, gnomAD 0.05%). This variant has not been reported in the literature in individuals affected with CTDP1-related conditions. ClinVar contains an entry for this variant (Variation ID: 1359261). An algorithm developed to predict the effect of missense changes on protein structure and function (PolyPhen-2) suggests that this variant is likely to be disruptive. In summary, the available evidence is currently insufficient to determine the role of this variant in disease. Therefore, it has been classified as a Variant of Uncertain Significance.